The following is an entry in ClinVar:

ClinVar aggregate classification (germline): Conflicting classifications of pathogenicity. Review status: criteria provided, conflicting classifications (1 of 4 stars). 6 submissions from 6 submitters: Uncertain significance (2); Likely benign (3). 1 of the submissions does not count toward it. Last evaluated 2026-01-05.

Conditions:
ANLN-related disorder. Also called: ANLN-related condition.
Focal segmental glomerulosclerosis 8 (FSGS8). Identifiers: Orphanet 656, MedGen C4014993, MONDO:0014462, OMIM 616032.

Allele frequency attached by ClinVar (database versions not stated): gnomAD exomes 0.00001 and 0.00007; ESP Exome Variant Server 0.00008; ExAC 0.00012; TOPMed 0.00016; gnomAD 0.00017 and 0.00019.
gnomAD v4.1: 103 of 1,612,386 alleles (0.0064%); highest among the groups gnomAD compares: East Asian, 0.027%; 1 homozygote.

Submissions (6):

Labcorp Genetics (formerly Invitae), Labcorp
Classification: Uncertain significance. Last evaluated: 2026-01-05. Review status: criteria provided, single submitter. Criteria: Invitae Variant Classification Sherloc (09022015). Collection method: clinical testing. Allele origin: germline.
Comment: This sequence change replaces serine, which is neutral and polar, with asparagine, which is neutral and polar, at codon 251 of the ANLN protein (p.Ser251Asn). This variant is present in population databases (rs372980930, gnomAD 0.05%), and has an allele count higher than expected for a pathogenic variant. This variant has not been reported in the literature in individuals affected with ANLN-related conditions. ClinVar contains an entry for this variant (Variation ID: 972322). An algorithm developed to predict the effect of missense changes on protein structure and function (PolyPhen-2) suggests that this variant is likely to be tolerated. In summary, the available evidence is currently insufficient to determine the role of this variant in disease. Therefore, it has been classified as a Variant of Uncertain Significance.

Blueprint Genetics
Classification: Likely benign. Last evaluated: 2024-11-26. Review status: criteria provided, single submitter. Criteria: ACMG Guidelines, 2015. Collection method: clinical testing. Allele origin: germline.

Ambry Genetics
Classification: Likely benign. Last evaluated: 2024-05-17. Review status: criteria provided, single submitter. Criteria: Ambry Variant Classification Scheme 2023. Collection method: clinical testing. Allele origin: germline.

GeneDx
Classification: Likely benign. Last evaluated: 2020-11-11. Review status: criteria provided, single submitter. Criteria: GeneDx Variant Classification Process June 2021. Collection method: clinical testing. Allele origin: germline. Affected: yes.

Victorian Clinical Genetics Services, Murdoch Childrens Research Institute
Classification: Uncertain significance for Focal segmental glomerulosclerosis 8. Last evaluated: 2020-05-25. Review status: criteria provided, single submitter. Criteria: ACMG Guidelines, 2015. Collection method: clinical testing. Allele origin: germline. Inheritance: Autosomal dominant inheritance. Affected: yes.
Comment: Based on the classification scheme VCGS_Germline_v1.1.1, this variant is classified as 3C - VUS. Following criteria are met: 0102 - Loss-of-function is a known mechanism of disease for this gene. (N) 0107 - This gene is known to be associated with autosomal dominant disease. (N) 0200 - Variant is predicted to result in a missense amino acid change from serine to asparagine (exon 4). (N) 0251 - Variant is heterozygous. (N) 0302 - Variant is present in gnomAD <0.001 for a dominant condition (19 heterozygotes, 1 homozygote). (P) 0503 - Missense variant consistently predicted to be tolerated or not conserved in mammals with a minor amino acid change. (B) 0604 - Variant is not located in an established domain, motif, hotspot or informative constraint region. (N) 0705 - No comparable variants have previous evidence for pathogenicity. (N) 0807 - Variant has not previously been reported in a clinical context. (N) 0905 - No segregation evidence has been identified for this variant. (N) 1007 - No published functional evidence has been identified for this variant. (N) 1208 - Inheritance information for this variant is not currently available. (N) Legend: (P) - Pathogenic, (N) - Neutral, (B) - Benign

PreventionGenetics, part of Exact Sciences
Classification: Likely benign for ANLN-related condition. Last evaluated: 2022-08-01. Review status: no assertion criteria provided. Collection method: clinical testing. Allele origin: germline. Not counted in ClinVar's aggregate classification.
Comment: This variant is classified as likely benign based on ACMG/AMP sequence variant interpretation guidelines (Richards et al. 2015 PMID: 25741868, with internal and published modifications).

NM_018685.5(ANLN):c.752G>A (p.Ser251Asn)

Gene: ANLN (anillin, actin binding protein; plus strand). Cytogenetic location: 7p14.2.
Variant type: single nucleotide variant.
Coding change: c.752G>A on transcript NM_018685.5 (MANE Select); coding-DNA position 752, G replaced by A.
Protein change: p.Ser251Asn; replaces serine 251 with asparagine.
Molecular consequence: missense variant.
Genome position (GRCh38, 1-based): chr7:36,406,445, G>A. VCF-style: chr7-36406445-G-A. GRCh37 (hg19) VCF-style: chr7-36446054-G-A.
Other names: c.752G>A, p.Ser251Asn (NM_001284301.3, NM_001284302.3); c.752G>A (NM_018685.2); short protein forms S251N.
Identifiers: ClinVar variation 972322 (VCV000972322.16), dbSNP rs372980930, ClinGen allele CA4219406.